The following is an entry in ClinVar:

NM_017662.5(TRPM6):c.*913T>C

Gene: TRPM6 (transient receptor potential cation channel subfamily M member 6; minus strand). Cytogenetic location: 9q21.13.
Variant type: single nucleotide variant.
Coding change: c.*913T>C on transcript NM_017662.5 (MANE Select); 913 bases downstream of the stop codon, T replaced by C.
Molecular consequence: 3 prime UTR variant.
Genome position (GRCh38, 1-based): chr9:74,723,700, A>G on the plus strand (T>C on the coding strand, the complement: TRPM6 is on the minus strand). VCF-style: chr9-74723700-A-G. GRCh37 (hg19) VCF-style: chr9-77338616-A-G.
Other names: c.*913T>C (NM_001177310.2, NM_001177311.2).
Identifiers: ClinVar variation 367276 (VCV000367276.5), dbSNP rs113586292, ClinGen allele CA10627526.

ClinVar aggregate classification (germline): Benign (1 of 4 stars; one submission).

Conditions:
Intestinal hypomagnesemia 1. Also called: HYPOMAGNESEMIA, INTESTINAL, WITH SECONDARY HYPOCALCEMIA; HYPOMAGNESEMIC TETANY. Identifiers: Orphanet 30924, MedGen C1865974, MONDO:0011176, OMIM 602014.

Allele frequency attached by ClinVar (database versions not stated): 1000 Genomes Project 30x 0.00515; 1000 Genomes Project 0.00559; gnomAD 0.00606 and 0.00659; TOPMed 0.00667.

Submission:

Illumina Laboratory Services, Illumina
Classification: Benign for Intestinal hypomagnesemia 1. Last evaluated: 2018-01-13. Review status: criteria provided, single submitter. Criteria: ICSL Variant Classification Criteria 13 December 2019. Collection method: clinical testing. Allele origin: germline.
Comment: This variant was observed in the ICSL laboratory as part of a predisposition screen in an ostensibly healthy population. It had not been previously curated by ICSL or reported in the Human Gene Mutation Database (HGMD: prior to June 1st, 2018), and was therefore a candidate for classification through an automated scoring system. Utilizing variant allele frequency, disease prevalence and penetrance estimates, and inheritance mode, an automated score was calculated to assess if this variant is too frequent to cause the disease. Based on the score and internal cut-off values, a variant classified as benign is not then subjected to further curation. The score for this variant resulted in a classification of benign for this disease.